The following is an entry in ClinVar:

ClinVar aggregate classification (germline): Uncertain significance (1 of 4 stars; one submission).

Allele frequency attached by ClinVar (database versions not stated): gnomAD 0.00001 and 0.00002; gnomAD exomes 0.00001 and 0.00002; ExAC 0.00003; TOPMed 0.00006; ESP Exome Variant Server 0.00015.

Submission:

Labcorp Genetics (formerly Invitae), Labcorp
Classification: Uncertain significance. Last evaluated: 2023-10-24. Review status: criteria provided, single submitter. Criteria: Invitae Variant Classification Sherloc (09022015). Collection method: clinical testing. Allele origin: germline.
Comment: This sequence change replaces methionine, which is neutral and non-polar, with valine, which is neutral and non-polar, at codon 12 of the CLUAP1 protein (p.Met12Val). This variant is present in population databases (rs377074091, gnomAD 0.03%). This variant has not been reported in the literature in individuals affected with CLUAP1-related conditions. ClinVar contains an entry for this variant (Variation ID: 1025114). Advanced modeling of protein sequence and biophysical properties (such as structural, functional, and spatial information, amino acid conservation, physicochemical variation, residue mobility, and thermodynamic stability) performed at Invitae indicates that this missense variant is not expected to disrupt CLUAP1 protein function with a negative predictive value of 80%. In summary, the available evidence is currently insufficient to determine the role of this variant in disease. Therefore, it has been classified as a Variant of Uncertain Significance.

NM_015041.3(CLUAP1):c.34A>G (p.Met12Val)

Gene: CLUAP1 (clusterin associated protein 1; plus strand). Cytogenetic location: 16p13.3.
Variant type: single nucleotide variant.
Coding change: c.34A>G on transcript NM_015041.3 (MANE Select); coding-DNA position 34, A replaced by G.
Protein change: p.Met12Val; replaces methionine 12 with valine.
Molecular consequence: missense variant.
Genome position (GRCh38, 1-based): chr16:3,504,731, A>G. VCF-style: chr16-3504731-A-G. GRCh37 (hg19) VCF-style: chr16-3554731-A-G.
Other names: c.34A>G, p.Met12Val (NM_001330454.2); short protein forms M12V.
Identifiers: ClinVar variation 1025114 (VCV001025114.6), dbSNP rs377074091, ClinGen allele CA7863578.